The following is an entry in ClinVar:

ClinVar aggregate classification (germline): Pathogenic (1 of 4 stars; one submission).

Conditions:
Clark-Baraitser syndrome. Also called: Intellectual disability, autosomal dominant 49; BARAITSER SYNDROME; Mental retardation, tall stature, obesity, macrocephaly and typical facial features; MENTAL RETARDATION, AUTOSOMAL DOMINANT 49. Identifiers: Orphanet 600731, MedGen C2931130, MONDO:0030914, OMIM 617752.

Submission:

Greenwood Genetic Center Diagnostic Laboratories, Greenwood Genetic Center
Classification: Pathogenic for Clark-Baraitser syndrome. Last evaluated: 2022-05-10. Review status: criteria provided, single submitter. Criteria: ACMG Guidelines, 2015. Collection method: clinical testing. Allele origin: germline. Affected: yes.
Comment: PVS1, PS2, PM2

NM_001348323.3(TRIP12):c.3816+2T>A

Gene: TRIP12 (thyroid hormone receptor interactor 12; minus strand). Cytogenetic location: 2q36.3.
Variant type: single nucleotide variant.
Coding change: c.3816+2T>A on transcript NM_001348323.3 (MANE Select); the canonical splice donor site of the intron after coding-DNA position 3816, T replaced by A.
Molecular consequence: splice donor variant.
Genome position (GRCh38, 1-based): chr2:229,796,589, A>T on the plus strand (T>A on the coding strand, the complement: TRIP12 is on the minus strand). VCF-style: chr2-229796589-A-T. GRCh37 (hg19) VCF-style: chr2-230661305-A-T.
Other names: c.2781+2T>A (NM_001284216.2); c.3591+2T>A (NM_004238.3); c.3609+2T>A (NM_001348331.1); c.3690+2T>A (NM_001348317.1, NM_001284215.2, NM_001348316.2 and 1 more transcripts); c.3729+2T>A (NM_001348332.1); c.3735+2T>A (NM_001284214.2, NM_001348315.2); c.3816+2T>A (NM_001348319.1, NM_001348322.1, NM_001348324.2 and 4 more transcripts); c.3738+2T>A (NM_001348333.1); and 1 more.
Identifiers: ClinVar variation 1703055 (VCV001703055.3), dbSNP rs2471479385, ClinGen allele CA350904017.